The following is an entry in ClinVar:

ClinVar aggregate classification (germline): Uncertain significance (1 of 4 stars; one submission).

Conditions:
Rubinstein-Taybi syndrome (RSTS). Identifiers: Orphanet 783, MedGen C0035934, MONDO:0019188.

gnomAD v4.1: 1 of 1,614,244 alleles (0.000062%); highest among the groups gnomAD compares: Non-Finnish European, 0.000085%; no homozygotes.

Submission:

Labcorp Genetics (formerly Invitae), Labcorp
Classification: Uncertain significance for Rubinstein-Taybi syndrome. Last evaluated: 2022-04-22. Review status: criteria provided, single submitter. Criteria: Invitae Variant Classification Sherloc (09022015). Collection method: clinical testing. Allele origin: germline.
Comment: In summary, the available evidence is currently insufficient to determine the role of this variant in disease. Therefore, it has been classified as a Variant of Uncertain Significance. Advanced modeling of protein sequence and biophysical properties (such as structural, functional, and spatial information, amino acid conservation, physicochemical variation, residue mobility, and thermodynamic stability) performed at Invitae indicates that this missense variant is not expected to disrupt CREBBP protein function. This variant has not been reported in the literature in individuals affected with CREBBP-related conditions. This variant is not present in population databases (gnomAD no frequency). This sequence change replaces threonine, which is neutral and polar, with asparagine, which is neutral and polar, at codon 242 of the CREBBP protein (p.Thr242Asn).

NM_004380.3(CREBBP):c.725C>A (p.Thr242Asn)

Gene: CREBBP (CREB binding lysine acetyltransferase; minus strand). Cytogenetic location: 16p13.3.
Variant type: single nucleotide variant.
Coding change: c.725C>A on transcript NM_004380.3 (MANE Select); coding-DNA position 725, C replaced by A.
Protein change: p.Thr242Asn; replaces threonine 242 with asparagine.
Molecular consequence: missense variant.
Genome position (GRCh38, 1-based): chr16:3,850,370, G>T on the plus strand (C>A on the coding strand, the complement: CREBBP is on the minus strand). VCF-style: chr16-3850370-G-T. GRCh37 (hg19) VCF-style: chr16-3900371-G-T.
Other names: c.725C>A, p.Thr242Asn (NM_001079846.1); short protein forms T242N.
Identifiers: ClinVar variation 1906298 (VCV001906298.5), dbSNP rs2548544057, ClinGen allele CA394559363.